The following is an entry in ClinVar:

ClinVar aggregate classification (germline): Uncertain significance. Review status: criteria provided, multiple submitters, no conflicts (2 of 4 stars). 2 submissions from 2 submitters: Uncertain significance (2). Last evaluated 2024-12-24.

Submissions (2):

Ambry Genetics
Classification: Uncertain significance. Last evaluated: 2024-12-24. Review status: criteria provided, single submitter. Criteria: Ambry Variant Classification Scheme 2023. Collection method: clinical testing. Allele origin: germline.

Mayo Clinic Laboratories, Mayo Clinic
Classification: Uncertain significance. Last evaluated: 2024-09-10. Review status: criteria provided, single submitter. Criteria: ACMG Guidelines, 2015. Collection method: clinical testing. Allele origin: germline. Observed: 2 variant alleles.
Comment: BP4, PM1_supporting, PM2

NM_001102416.3(KNG1):c.209C>T (p.Thr70Met)

Gene: KNG1 (kininogen 1; plus strand). Cytogenetic location: 3q27.3.
Variant type: single nucleotide variant.
Coding change: c.209C>T on transcript NM_001102416.3 (MANE Select); coding-DNA position 209, C replaced by T.
Protein change: p.Thr70Met; replaces threonine 70 with methionine.
Molecular consequence: missense variant.
Genome position (GRCh38, 1-based): chr3:186,720,118, C>T. VCF-style: chr3-186720118-C-T. GRCh37 (hg19) VCF-style: chr3-186437907-C-T.
Other names: p.Thr70Met; c.209C>T, p.Thr70Met (NM_000893.4, NM_001166451.2); c.209C>T (NM_001102416.2); short protein forms T70M.
Identifiers: ClinVar variation 3379523 (VCV003379523.2).